The following is an entry in ClinVar:

ClinVar aggregate classification (germline): Likely pathogenic (1 of 4 stars; one submission).

Conditions:
Dilated cardiomyopathy 1G (CMD1G). Identifiers: Orphanet 154, MedGen C1858763, MONDO:0011400, OMIM 604145.
Hypertrophic cardiomyopathy 9. Also called: Familial hypertrophic cardiomyopathy 9. Identifiers: MedGen C1861065, MONDO:0013412, OMIM 613765.
Early-onset myopathy with fatal cardiomyopathy (CMYO5). Also called: Salih Myopathy; CONGENITAL MYOPATHY 5 WITH CARDIOMYOPATHY. Identifiers: Orphanet 289377, MedGen C2673677, MONDO:0012714, OMIM 611705. Disease mechanism: loss of function.
Tibial muscular dystrophy (TMD). Also called: Tibial muscular dystrophy, tardive; Udd Distal Myopathy – Tibial Muscular Dystrophy; UDD MYOPATHY. Identifiers: Orphanet 609, MedGen C1838244, MONDO:0010870, OMIM 600334.
Autosomal recessive limb-girdle muscular dystrophy type 2J (LGMDR10). Also called: MUSCULAR DYSTROPHY, LIMB-GIRDLE, AUTOSOMAL RECESSIVE 10; Limb-girdle muscular dystrophy, type 2J. Identifiers: Orphanet 140922, MedGen C1837342, MONDO:0012127, OMIM 608807.
Myopathy, myofibrillar, 9, with early respiratory failure (MFM9). Also called: EDSTROM MYOPATHY; Myopathy, distal, with early respiratory failure, autosomal dominant; Hereditary myopathy with early respiratory failure; MYOPATHY, PROXIMAL, WITH EARLY RESPIRATORY MUSCLE INVOLVEMENT. Identifiers: Orphanet 178464, Orphanet 34521, MedGen C1863599, MONDO:0011362, OMIM 603689.

Submission:

Juno Genomics, Hangzhou Juno Genomics, Inc
Classification: Likely pathogenic for Early-onset myopathy with fatal cardiomyopathy; Dilated cardiomyopathy 1G; Hypertrophic cardiomyopathy 9; Autosomal recessive limb-girdle muscular dystrophy type 2J; Myopathy, myofibrillar, 9, with early respiratory failure; Tibial muscular dystrophy. Review status: criteria provided, single submitter. Criteria: ACMG Guidelines, 2015. Collection method: clinical testing. Allele origin: germline.
Comment: Null variant in a gene where loss of function (LOF) is a known mechanism of disease.;Absent from controls (or at extremely low frequency if recessive) in Genome Aggregation Database.

NM_001267550.2(TTN):c.95613del (p.Ser31872fs)

Genes: TTN (titin; minus strand), TTN-AS1 (TTN antisense RNA 1; plus strand). Cytogenetic location: 2q31.2.
Variant type: Deletion.
Coding change: c.95613del on transcript NM_001267550.2 (MANE Select); coding-DNA position 95613, one base deleted (C; older notation c.95613delC).
Protein change: p.Ser31872fs; shifts the reading frame from serine 31872.
Molecular consequence: frameshift variant.
Genome position (GRCh38, 1-based): chr2:178,545,497, G deleted on the plus strand (C on the coding strand, the reverse complement: TTN is on the minus strand); the first of 2 consecutive G bases (chr2:178,545,497-178,545,498); deleting either gives the same sequence. VCF-style (leftmost placement, unchanged base first): chr2-178545496-TG-T. GRCh37 (hg19) VCF-style: chr2-179410223-TG-T.
Other names: c.90690del, p.Ser30231fs (NM_001256850.1); c.68418del, p.Ser22807fs (NM_003319.4); c.87909del, p.Ser29304fs (NM_133378.4); c.68793del, p.Ser22932fs (NM_133432.3); c.68994del, p.Ser22999fs (NM_133437.4); short protein forms S22807fs, S22932fs, S22999fs, S29304fs, S30231fs, S31872fs.
Identifiers: ClinVar variation 3381936 (VCV003381936.3).